The following is an entry in ClinVar:

NM_001163809.2(WDR81):c.2746A>G (p.Ile916Val)

Gene: WDR81 (WD repeat domain 81; plus strand). Cytogenetic location: 17p13.3.
Variant type: single nucleotide variant.
Coding change: c.2746A>G on transcript NM_001163809.2 (MANE Select); coding-DNA position 2746, A replaced by G.
Protein change: p.Ile916Val; replaces isoleucine 916 with valine.
Molecular consequence: missense variant. On other transcripts: intron variant (3).
Genome position (GRCh38, 1-based): chr17:1,727,705, A>G. VCF-style: chr17-1727705-A-G. GRCh37 (hg19) VCF-style: chr17-1630999-A-G.
Other names: p.Ile916Val; c.-123-285A>G (NM_152348.4); c.59-2675A>G (NM_001163673.2); c.-14-2675A>G (NM_001163811.2); short protein forms I916V.
Identifiers: ClinVar variation 3380452 (VCV003380452.1).
Genomic context (GRCh38, chr17:1,727,705, plus strand): 5'-GCCCAGGGGCGCGAGCTGGTGTTTGCTCTGTGGCAGCAGCTGGGCGCGGTGCTGAAGGAC[A>G]TCACCCCTGAGGGCCTGGAGATCCTGCTGCCCTTCGTGCTCTCACTCATGTCCGAGGAGC-3'
Protein context (NP_001157281.1, residues 906-926): WQQLGAVLKD[Ile916Val]TPEGLEILLP

ClinVar aggregate classification (germline): Uncertain significance (1 of 4 stars; one submission).

gnomAD v4.1: 55 of 1,550,398 alleles (0.0035%); highest among the groups gnomAD compares: Non-Finnish European, 0.0047%; no homozygotes.

Submission:

Mayo Clinic Laboratories, Mayo Clinic
Classification: Uncertain significance. Last evaluated: 2024-06-19. Review status: criteria provided, single submitter. Criteria: ACMG Guidelines, 2015. Collection method: clinical testing. Allele origin: germline. Observed: 1 variant allele.
Comment: BP4, PM2